The following is an entry in ClinVar:

ClinVar aggregate classification (germline): Benign/Likely benign. Review status: criteria provided, multiple submitters, no conflicts (2 of 4 stars). 12 submissions from 10 submitters: Benign (9); Likely benign (1). 2 of the submissions do not count toward it. Last evaluated 2026-02-04.

Conditions:
Weill-Marchesani syndrome. Also called: WM Syndrome; Mesodermal dysmorphodystrophy congenital. Identifiers: Orphanet 3449, MedGen C0265313, MONDO:0018096.
Weill-Marchesani syndrome 3 (WMS3). Also called: LTBP2-Related Weill-Marchesani Syndrome; Weill-Marchesani syndrome 3, recessive. Identifiers: Orphanet 3449, MedGen C3553785, MONDO:0013899, OMIM 614819.
Glaucoma 3, primary congenital, D. Identifiers: Orphanet 98976, MedGen C2751316, MONDO:0013122, OMIM 613086.
Microspherophakia. Identifiers: MedGen C1562061, HP:0030961.

Allele frequency attached by ClinVar (database versions not stated): ESP Exome Variant Server 0.35335; gnomAD 0.35382 and 0.35704; TOPMed 0.37165; 1000 Genomes Project 0.37879; 1000 Genomes Project 30x 0.38382.
gnomAD v4.1: 475,162 of 1,602,476 alleles (30%); highest among the groups gnomAD compares: African/African-American, 51%; 73,196 homozygotes.

Submissions (12):

Labcorp Genetics (formerly Invitae), Labcorp
Classification: Benign. Last evaluated: 2026-02-04. Review status: criteria provided, single submitter. Criteria: Invitae Variant Classification Sherloc (09022015). Collection method: clinical testing. Allele origin: germline.

Blueprint Genetics
Classification: Likely benign. Last evaluated: 2024-11-27. Review status: criteria provided, single submitter. Criteria: ACMG Guidelines, 2015. Collection method: clinical testing. Allele origin: germline.

Genome-Nilou Lab
Classification: Benign for Weill-Marchesani syndrome 3. Last evaluated: 2021-09-05. Review status: criteria provided, single submitter. Criteria: ACMG Guidelines, 2015. Collection method: clinical testing. Allele origin: germline. Affected: no.

Genome-Nilou Lab
Classification: Benign for Microspherophakia and/or megalocornea, with ectopia lentis and with or without secondary glaucoma. Last evaluated: 2021-09-05. Review status: criteria provided, single submitter. Criteria: ACMG Guidelines, 2015. Collection method: clinical testing. Allele origin: germline. Affected: no.

GeneDx
Classification: Benign. Last evaluated: 2018-04-19. Review status: criteria provided, single submitter. Criteria: GeneDx Variant Classification (06012015). Collection method: clinical testing. Allele origin: germline. Affected: yes.
Comment: This variant is considered likely benign or benign based on one or more of the following criteria: it is a conservative change, it occurs at a poorly conserved position in the protein, it is predicted to be benign by multiple in silico algorithms, and/or has population frequency not consistent with disease.

Illumina Laboratory Services, Illumina
Classification: Benign for Glaucoma 3, primary congenital, D. Last evaluated: 2018-01-12. Review status: criteria provided, single submitter. Criteria: ICSL Variant Classification Criteria 13 December 2019. Collection method: clinical testing. Allele origin: germline.
Comment: This variant was observed in the ICSL laboratory as part of a predisposition screen in an ostensibly healthy population. It had not been previously curated by ICSL or reported in the Human Gene Mutation Database (HGMD: prior to June 1st, 2018), and was therefore a candidate for classification through an automated scoring system. Utilizing variant allele frequency, disease prevalence and penetrance estimates, and inheritance mode, an automated score was calculated to assess if this variant is too frequent to cause the disease. Based on the score and internal cut-off values, a variant classified as benign is not then subjected to further curation. The score for this variant resulted in a classification of benign for this disease.

Illumina Laboratory Services, Illumina
Classification: Benign for Weill-Marchesani syndrome. Last evaluated: 2018-01-12. Review status: criteria provided, single submitter. Criteria: ICSL Variant Classification Criteria 13 December 2019. Collection method: clinical testing. Allele origin: germline.
Comment: the same text as in the submission from Illumina Laboratory Services, Illumina above.

Eurofins Ntd Llc (ga)
Classification: Benign. Last evaluated: 2016-02-22. Review status: criteria provided, single submitter. Criteria: EGL Classification Definitions 2015. Collection method: clinical testing. Allele origin: germline. Observed: 4 variant alleles, 3 heterozygotes, 1 homozygote.

Breakthrough Genomics
Classification: Benign. Review status: criteria provided, single submitter. Criteria: ACMG Guidelines, 2015. Collection method: not provided. Allele origin: germline. Inheritance: Autosomal recessive inheritance. Affected: yes.

PreventionGenetics, part of Exact Sciences
Classification: Benign. Review status: criteria provided, single submitter. Criteria: ACMG Guidelines, 2015. Collection method: clinical testing. Allele origin: germline.

Genome Diagnostics Laboratory, Amsterdam University Medical Center
Classification: Benign. Review status: no assertion criteria provided. Collection method: clinical testing. Allele origin: germline. Affected: yes. Study: VKGL Data-share Consensus. Not counted in ClinVar's aggregate classification.

Joint Genome Diagnostic Labs from Nijmegen and Maastricht, Radboudumc and MUMC+
Classification: Benign. Review status: no assertion criteria provided. Collection method: clinical testing. Allele origin: germline. Affected: yes. Study: VKGL Data-share Consensus. Not counted in ClinVar's aggregate classification.

NM_000428.3(LTBP2):c.2406T>C (p.Thr802=)

Gene: LTBP2 (latent transforming growth factor beta binding protein 2; minus strand). Cytogenetic location: 14q24.3.
Variant type: single nucleotide variant.
Coding change: c.2406T>C on transcript NM_000428.3 (MANE Select); coding-DNA position 2406, T replaced by C.
Protein change: p.Thr802=; no amino-acid change (threonine 802 retained).
Molecular consequence: synonymous variant.
Genome position (GRCh38, 1-based): chr14:74,526,097, A>G on the plus strand (T>C on the coding strand, the complement: LTBP2 is on the minus strand). VCF-style: chr14-74526097-A-G. GRCh37 (hg19) VCF-style: chr14-74992800-A-G.
Identifiers: ClinVar variation 256097 (VCV000256097.25), dbSNP rs699374, ClinGen allele CA7269521.